The following is an entry in ClinVar:

ClinVar aggregate classification (germline): Conflicting classifications of pathogenicity. Review status: criteria provided, conflicting classifications (1 of 4 stars). 6 submissions from 6 submitters: Uncertain significance (5); Likely benign (1). Last evaluated 2026-05-26.

Conditions:
Inborn genetic diseases. Identifiers: MedGen C0950123, MeSH D030342.
Cortical dysplasia-focal epilepsy syndrome (PTHSL1). Also called: Pitt-Hopkins-like syndrome 1. Identifiers: Orphanet 163681, Orphanet 221150, MedGen C2750246, MONDO:0012400, OMIM 610042.

Allele frequency attached by ClinVar (database versions not stated): gnomAD exomes 0.00004 and 0.00013; ExAC 0.00016; ESP Exome Variant Server 0.00031; gnomAD 0.00038 and 0.00041; TOPMed 0.00055.
gnomAD v4.1: 117 of 1,613,842 alleles (0.0072%); highest among the groups gnomAD compares: African/African-American, 0.11%; no homozygotes.

Submissions (6):

Ambry Genetics
Classification: Likely benign for Inborn genetic diseases. Last evaluated: 2026-05-26. Review status: criteria provided, single submitter. Criteria: Ambry Variant Classification Scheme 2023. Collection method: clinical testing. Allele origin: germline.

GeneDx
Classification: Uncertain significance. Last evaluated: 2025-08-19. Review status: criteria provided, single submitter. Criteria: GeneDx Variant Classification Process June 2021. Collection method: clinical testing. Allele origin: germline. Affected: yes.
Comment: In silico analysis supports that this missense variant has a deleterious effect on protein structure/function; Has not been previously published as pathogenic or benign to our knowledge

Blueprint Genetics
Classification: Uncertain significance. Last evaluated: 2024-03-27. Review status: criteria provided, single submitter. Criteria: ACMG Guidelines, 2015. Collection method: clinical testing. Allele origin: germline.

Labcorp Genetics (formerly Invitae), Labcorp
Classification: Uncertain significance for Cortical dysplasia-focal epilepsy syndrome. Last evaluated: 2022-09-01. Review status: criteria provided, single submitter. Criteria: Invitae Variant Classification Sherloc (09022015). Collection method: clinical testing. Allele origin: germline.
Comment: This sequence change replaces glycine, which is neutral and non-polar, with arginine, which is basic and polar, at codon 620 of the CNTNAP2 protein (p.Gly620Arg). This variant is present in population databases (rs142980731, gnomAD 0.1%). This variant has not been reported in the literature in individuals affected with CNTNAP2-related conditions. ClinVar contains an entry for this variant (Variation ID: 205250). Algorithms developed to predict the effect of missense changes on protein structure and function are either unavailable or do not agree on the potential impact of this missense change (SIFT: "Deleterious"; PolyPhen-2: "Probably Damaging"; Align-GVGD: "Class C0"). In summary, the available evidence is currently insufficient to determine the role of this variant in disease. Therefore, it has been classified as a Variant of Uncertain Significance.

Eurofins Ntd Llc (ga)
Classification: Uncertain significance. Last evaluated: 2017-11-01. Review status: criteria provided, single submitter. Criteria: EGL Classification Definitions 2015. Collection method: clinical testing. Allele origin: germline. Observed: 1 variant allele, 1 heterozygote.

Genetic Services Laboratory, University of Chicago
Classification: Uncertain significance. Last evaluated: 2015-11-19. Review status: criteria provided, single submitter. Criteria: ACMG Guidelines, 2015. Collection method: clinical testing. Allele origin: germline. Affected: no.

NM_014141.6(CNTNAP2):c.1858G>A (p.Gly620Arg)

Gene: CNTNAP2 (contactin associated protein 2; plus strand). Cytogenetic location: 7q35.
Variant type: single nucleotide variant.
Coding change: c.1858G>A on transcript NM_014141.6 (MANE Select); coding-DNA position 1858, G replaced by A.
Protein change: p.Gly620Arg; replaces glycine 620 with arginine.
Molecular consequence: missense variant.
Genome position (GRCh38, 1-based): chr7:147,562,218, G>A. VCF-style: chr7-147562218-G-A. GRCh37 (hg19) VCF-style: chr7-147259310-G-A.
Other names: p.G620R:GGA>AGA; short protein forms G620R.
Identifiers: ClinVar variation 205250 (VCV000205250.26), dbSNP rs142980731, ClinGen allele CA314134.